The following is an entry in ClinVar:

NM_130806.5(RXFP2):c.664A>C (p.Thr222Pro)

Gene: RXFP2 (relaxin family peptide receptor 2; plus strand). Cytogenetic location: 13q13.1.
Variant type: single nucleotide variant.
Coding change: c.664A>C on transcript NM_130806.5 (MANE Select); coding-DNA position 664, A replaced by C.
Protein change: p.Thr222Pro; replaces threonine 222 with proline.
Molecular consequence: missense variant.
Genome position (GRCh38, 1-based): chr13:31,777,398, A>C. VCF-style: chr13-31777398-A-C. GRCh37 (hg19) VCF-style: chr13-32351535-A-C.
Other names: c.664A>C, p.Thr222Pro (NM_001166058.2); short protein forms T222P.
Identifiers: ClinVar variation 4159 (VCV000004159.27), dbSNP rs121918303, ClinGen allele CA210679.

ClinVar aggregate classification (germline): Conflicting classifications of pathogenicity. Review status: criteria provided, conflicting classifications (1 of 4 stars). 4 submissions from 4 submitters: Uncertain significance (1); Likely benign (2). 1 of the submissions does not count toward it. Last evaluated 2024-11-22.

Conditions:
Cryptorchidism. Also called: undescended testicle; Undescended testes. Identifiers: MedGen C0010417, MONDO:0009047, OMIM 219050, HP:0000028.

Allele frequency attached by ClinVar (database versions not stated): 1000 Genomes Project 30x 0.00125; 1000 Genomes Project 0.00140; ESP Exome Variant Server 0.00446; gnomAD 0.00458 and 0.00472; TOPMed 0.00463.
gnomAD v4.1: 8,743 of 1,611,690 alleles (0.54%); highest among the groups gnomAD compares: Non-Finnish European, 0.6%; 31 homozygotes.

Submissions (4):

Blueprint Genetics
Classification: Likely benign. Last evaluated: 2024-11-22. Review status: criteria provided, single submitter. Criteria: ACMG Guidelines, 2015. Collection method: clinical testing. Allele origin: germline.

CeGaT Center for Human Genetics Tuebingen
Classification: Likely benign. Last evaluated: 2024-06-01. Review status: criteria provided, single submitter. Criteria: CeGaT Center For Human Genetics Tuebingen Variant Classification Criteria Version 2. Collection method: clinical testing. Allele origin: germline. Affected: yes. Observed: 2 variant alleles.
Comment: RXFP2: BP4, BS2

Breakthrough Genomics
Classification: Uncertain significance. Review status: criteria provided, single submitter. Criteria: ACMG Guidelines, 2015. Collection method: not provided. Allele origin: germline. Inheritance: Unknown mechanism. Affected: yes.

OMIM
Classification: Uncertain significance for RECLASSIFIED - VARIANT OF UNKNOWN SIGNIFICANCE. Last evaluated: 2011-08-01. Review status: no assertion criteria provided. Collection method: literature only. Allele origin: germline. Not counted in ClinVar's aggregate classification.

Literature cited by the submitters: PubMed 20636340 (cited by OMIM); PubMed 12217959 (cited by OMIM); PubMed 12970298 (cited by OMIM).